The following is an entry in ClinVar:

NM_016222.4(DDX41):c.299C>T (p.Ala100Val)

Gene: DDX41 (DEAD-box helicase 41; minus strand). Cytogenetic location: 5q35.3.
Variant type: single nucleotide variant.
Coding change: c.299C>T on transcript NM_016222.4 (MANE Select); coding-DNA position 299, C replaced by T.
Protein change: p.Ala100Val; replaces alanine 100 with valine.
Molecular consequence: missense variant. On other transcripts: 5 prime UTR variant (2).
Genome position (GRCh38, 1-based): chr5:177,516,193, G>A on the plus strand (C>T on the coding strand, the complement: DDX41 is on the minus strand). VCF-style: chr5-177516193-G-A. GRCh37 (hg19) VCF-style: chr5-176943194-G-A.
Other names: c.-80C>T (NM_001321732.2, NM_001321830.2); short protein forms A100V.
Identifiers: ClinVar variation 4617164 (VCV004617164.1).

ClinVar aggregate classification (germline): Uncertain significance (1 of 4 stars; one submission).

Conditions:
Inborn genetic diseases. Identifiers: MedGen C0950123, MeSH D030342.

Submission:

Ambry Genetics
Classification: Uncertain significance for Inborn genetic diseases. Last evaluated: 2025-10-22. Review status: criteria provided, single submitter. Criteria: Ambry Variant Classification Scheme 2023. Collection method: clinical testing. Allele origin: germline.
Comment: The p.A100V variant (also known as c.299C>T) is located in coding exon 4 of the DDX41 gene. The alanine at codon 100 is replaced by valine, an amino acid with similar properties. This change occurs in the first base pair of coding exon 4. This amino acid position is conserved. In addition, this alteration is predicted to be tolerated by in silico analysis. Based on the available evidence, the clinical significance of this variant remains unclear.